The following is an entry in ClinVar:

ClinVar aggregate classification (germline): Uncertain significance (1 of 4 stars; one submission).

Conditions:
Ataxia-telangiectasia syndrome (AT). Also called: LOUIS-BAR SYNDROME; Ataxia telangiectasia (A-T); Ataxia-telangiectasia, complementation group D; Cerebello-oculocutaneous telangiectasia; Immunodeficiency with ataxia telangiectasia; Ataxia-telangiectasia. Identifiers: Orphanet 100, MedGen C0004135, MONDO:0008840, OMIM 208900.

Submission:

Labcorp Genetics (formerly Invitae), Labcorp
Classification: Uncertain significance for Ataxia-telangiectasia syndrome. Last evaluated: 2023-08-01. Review status: criteria provided, single submitter. Criteria: Invitae Variant Classification Sherloc (09022015). Collection method: clinical testing. Allele origin: germline.
Comment: ClinVar contains an entry for this variant (Variation ID: 863257). This sequence change replaces glycine, which is neutral and non-polar, with glutamic acid, which is acidic and polar, at codon 294 of the ATM protein (p.Gly294Glu). This variant is not present in population databases (gnomAD no frequency). This variant has not been reported in the literature in individuals affected with ATM-related conditions. An algorithm developed to predict the effect of missense changes on protein structure and function (PolyPhen-2) suggests that this variant is likely to be disruptive. In summary, the available evidence is currently insufficient to determine the role of this variant in disease. Therefore, it has been classified as a Variant of Uncertain Significance.

NM_000051.4(ATM):c.881G>A (p.Gly294Glu)

Gene: ATM (ATM serine/threonine kinase; plus strand). Cytogenetic location: 11q22.3.
Variant type: single nucleotide variant.
Coding change: c.881G>A on transcript NM_000051.4 (MANE Select); coding-DNA position 881, G replaced by A.
Protein change: p.Gly294Glu; replaces glycine 294 with glutamic acid.
Molecular consequence: missense variant.
Genome position (GRCh38, 1-based): chr11:108,245,006, G>A. VCF-style: chr11-108245006-G-A. GRCh37 (hg19) VCF-style: chr11-108115733-G-A.
Other names: c.881G>A, p.Gly294Glu (NM_001351834.2); short protein forms G294E.
Identifiers: ClinVar variation 863257 (VCV000863257.9), dbSNP rs1370428326, ClinGen allele CA382529572.
Genomic context (GRCh38, chr11:108,245,006, plus strand): 5'-CTTTAAAAGAAGTCATTATTGAATTATTTCAACTGCAAATTTATATCCATCATCCGAAAG[G>A]AGCCAAAACCCAAGAAAAAGGTATAAAGGAAATGTTTACTGTTTTGAATTTGCTTCTTCA-3'
Protein context (NP_000042.3, residues 284-304): QLQIYIHHPK[Gly294Glu]AKTQEKGAYE